The following is an entry in ClinVar:

NM_000059.4(BRCA2):c.2150del (p.Cys717fs)

Gene: BRCA2 (BRCA2 DNA repair associated; plus strand). Cytogenetic location: 13q13.1.
Variant type: Deletion.
Coding change: c.2150del on transcript NM_000059.4 (MANE Select); coding-DNA position 2150, one base deleted (G; older notation c.2150delG).
Protein change: p.Cys717fs; shifts the reading frame from cysteine 717.
Molecular consequence: frameshift variant.
Genome position (GRCh38, 1-based): chr13:32,336,505, G deleted. VCF-style (leftmost placement, unchanged base first): chr13-32336504-TG-T. GRCh37 (hg19) VCF-style: chr13-32910641-TG-T.
Other names: c.2150delG (NM_000059.3).
Identifiers: ClinVar variation 51250 (VCV000051250.20), dbSNP rs397507618, ClinGen allele CA014453.

ClinVar aggregate classification (germline): Pathogenic. Review status: reviewed by expert panel (3 of 4 stars). 8 submissions from 8 submitters: Pathogenic (1). 7 of the submissions do not count toward it. Last evaluated 2016-09-08.

Conditions:
Breast-ovarian cancer, familial, susceptibility to, 2 (BROVCA2). Also called: BRCA2 Hereditary Breast and Ovarian Cancer. Identifiers: Orphanet 145, MedGen C2675520, MONDO:0012933, OMIM 612555. Disease mechanism: loss of function.
Fanconi anemia complementation group D1. Also called: BRCA2-Related Fanconi Anemia. Identifiers: Orphanet 319462, MedGen C1838457, MONDO:0011584, OMIM 605724.
Medulloblastoma (MDB). Also called: MEDULLOBLASTOMA PREDISPOSITION SYNDROME; Medulloblastoma, somatic. Identifiers: Orphanet 616, MedGen C0025149, MeSH D008527, MONDO:0007959, OMIM 155255, HP:0002885.
Pancreatic cancer, susceptibility to, 2. Identifiers: Orphanet 1333, MedGen C3150546, MONDO:0013235, OMIM 613347.
Glioma susceptibility 3 (GLM3). Also called: Glioblastoma 3. Identifiers: Orphanet 182067, Orphanet 360, MedGen C2751641, MONDO:0013093, OMIM 613029.
Wilms tumor 1 (WT1). Also called: Wilms tumor, somatic. Identifiers: Orphanet 654, MedGen CN033288, MONDO:0008679, OMIM 194070.
Familial cancer of breast. Also called: hereditary breast carcinoma; BREAST CANCER, FAMILIAL; Hereditary breast cancer. Identifiers: Orphanet 227535, MedGen C0346153, MONDO:0016419, OMIM 114480. Disease mechanism: loss of function.
Prostate cancer. Also called: Malignant tumor of prostate. Identifiers: Orphanet 1331, MedGen C0376358, MONDO:0008315, HP:0012125.
Hereditary cancer-predisposing syndrome. Also called: Hereditary Cancer Syndrome; Neoplastic Syndromes, Hereditary; Hereditary neoplastic syndrome; Tumor predisposition. Identifiers: Orphanet 140162, MedGen C0027672, MeSH D009386, MONDO:0015356.
Hereditary breast ovarian cancer syndrome. Also called: Hereditary breast and ovarian cancer syndrome; Breast and ovarian cancer; Hereditary breast and ovarian cancer syndrome (HBOC); BRCA1- and BRCA2-Associated Hereditary Breast and Ovarian Cancer; Hereditary breast and/or ovarian cancer syndrome; Hereditary breast and ovarian cancer. Identifiers: Orphanet 145, MedGen C0677776, MeSH D061325, MONDO:0003582. Disease mechanism: loss of function.

Submissions (8):

Evidence-based Network for the Interpretation of Germline Mutant Alleles (ENIGMA)
Classification: Pathogenic for Breast-ovarian cancer, familial, susceptibility to, 2. Last evaluated: 2016-09-08. Review status: reviewed by expert panel. Criteria: ENIGMA BRCA1/2 Classification Criteria (2015). Collection method: curation. Allele origin: germline.
Comment: Variant allele predicted to encode a truncated non-functional protein.

Labcorp Genetics (formerly Invitae), Labcorp
Classification: Pathogenic for Hereditary breast ovarian cancer syndrome. Last evaluated: 2025-04-28. Review status: criteria provided, single submitter. Criteria: Invitae Variant Classification Sherloc (09022015). Collection method: clinical testing. Allele origin: germline. Not counted in ClinVar's aggregate classification.
Comment: This sequence change creates a premature translational stop signal (p.Cys717Leufs*13) in the BRCA2 gene. It is expected to result in an absent or disrupted protein product. Loss-of-function variants in BRCA2 are known to be pathogenic (PMID: 20104584). This variant is not present in population databases (gnomAD no frequency). This premature translational stop signal has been observed in individual(s) with BRCA2-related conditions (PMID: 21520333). ClinVar contains an entry for this variant (Variation ID: 51250). For these reasons, this variant has been classified as Pathogenic.

Ambry Genetics
Classification: Pathogenic for Hereditary cancer-predisposing syndrome. Last evaluated: 2023-07-20. Review status: criteria provided, single submitter. Criteria: Ambry Variant Classification Scheme 2023. Collection method: clinical testing. Allele origin: germline. Not counted in ClinVar's aggregate classification.
Comment: The c.2150delG pathogenic mutation, located in coding exon 10 of the BRCA2 gene, results from a deletion of one nucleotide at nucleotide position 2150 causing a translational frameshift with a predicted alternate stop codon (p.C717Lfs*13). This alteration was identified in a large, worldwide study of BRCA1/2 mutation positive families (Rebbeck TR et al. Hum. Mutat., 2018 05;39:593-620). In addition to the clinical data presented in the literature, this alteration is expected to result in loss of function by premature protein truncation or nonsense-mediated mRNA decay. As such, this alteration is interpreted as a disease-causing mutation.

All of Us Research Program, National Institutes of Health
Classification: Pathogenic for Breast-ovarian cancer, familial, susceptibility to, 2. Last evaluated: 2023-06-26. Review status: criteria provided, single submitter. Criteria: ACMG Guidelines, 2015. Collection method: clinical testing. Allele origin: germline. Inheritance: Autosomal dominant inheritance. Observed: 1 variant allele, 1 heterozygote. Not counted in ClinVar's aggregate classification.
Comment: This variant deletes 1 nucleotide in exon 11 of the BRCA2 gene, creating a frameshift and premature translation stop signal. This variant is expected to result in an absent or non-functional protein product. This variant has been reported in at least 1 individual affected with breast cancer in the Leiden Open-source Variation Database (PMID: 21520333) and has been identified in 2 families among the CIMBA participants (PMID: 29446198). This variant has not been identified in the general population by the Genome Aggregation Database (gnomAD). Loss of BRCA2 function is a known mechanism of disease. Based on the available evidence, this variant is classified as Pathogenic.

This study involves interpretation of variants in research participants for the purpose of population health screening. Participant phenotype was not available at the time of variant classification. Additional details can be found in publication PMID: 35346344, PMCID: PMC8962531

Color Diagnostics, LLC DBA Color Health
Classification: Pathogenic for Hereditary cancer-predisposing syndrome. Last evaluated: 2023-05-04. Review status: criteria provided, single submitter. Criteria: ACMG Guidelines, 2015. Collection method: clinical testing. Allele origin: germline. Not counted in ClinVar's aggregate classification.
Comment: This variant deletes 1 nucleotide in exon 11 of the BRCA2 gene, creating a frameshift and premature translation stop signal. This variant is expected to result in an absent or non-functional protein product. This variant has been reported in at least 1 individual affected with breast cancer in the Leiden Open-source Variation Database (PMID: 21520333) and has been identified in 2 families among the CIMBA participants (PMID: 29446198). This variant has not been identified in the general population by the Genome Aggregation Database (gnomAD). Loss of BRCA2 function is a known mechanism of disease. Based on the available evidence, this variant is classified as Pathogenic.

Fulgent Genetics
Classification: Pathogenic for Familial cancer of breast; Medulloblastoma; Familial prostate cancer; Wilms tumor 1; Fanconi anemia complementation group D1; Breast-ovarian cancer, familial, susceptibility to, 2; Glioma susceptibility 3; Pancreatic cancer, susceptibility to, 2. Last evaluated: 2022-03-30. Review status: criteria provided, single submitter. Criteria: ACMG Guidelines, 2015. Collection method: clinical testing. Allele origin: unknown. Not counted in ClinVar's aggregate classification.

GeneDx
Classification: Pathogenic. Last evaluated: 2016-09-28. Review status: criteria provided, single submitter. Criteria: GeneDx Variant Classification (06012015). Collection method: clinical testing. Allele origin: germline. Affected: yes. Not counted in ClinVar's aggregate classification.
Comment: This deletion of one nucleotide in BRCA2 is denoted c.2150delG at the cDNA level and p.Cys717LeufsX13 (C717LfsX13) at the protein level. The normal sequence, with the base that is deleted in braces, is CAGT[G]TGAA. The deletion causes a frameshift which changes a Cysteine to a Leucine at codon 717, and creates a premature stop codon at position 13 of the new reading frame. Although this variant has not, to our knowledge, been reported in the literature, it is predicted to cause loss of normal protein function through either protein truncation or nonsense-mediated mRNA decay. We consider this variant to be pathogenic.Compared with carriers of a single BRCA1 or BRCA2 variant, individuals who are double heterozygotes for a BRCA1 and BRCA2 variant do not seem to have a more severe phenotype (Neuhausen 2009, Leegte 2005, Friedman 1998). Functional studies have proposed that the effect of double heterozygosity is not cumulative and that BRCA1 may be dominant over the BRCA2 variant (Ludwig 1997, Leegte 2005).

Consortium of Investigators of Modifiers of BRCA1/2 (CIMBA), c/o University of Cambridge
Classification: Pathogenic for Breast-ovarian cancer, familial, susceptibility to, 2. Last evaluated: 2015-10-02. Review status: criteria provided, single submitter. Criteria: CIMBA Mutation Classification guidelines May 2016. Collection method: clinical testing. Allele origin: germline. Not counted in ClinVar's aggregate classification.

Literature cited by the submitters: PubMed 20104584 (cited by Labcorp Genetics (formerly Invitae), Labcorp); PubMed 21520333 (cited by 3 submitters); PubMed 21305653 (cited by Ambry Genetics); PubMed 29446198 (cited by 3 submitters).